The following is an entry in ClinVar:

NM_000094.4(COL7A1):c.1900G>C (p.Gly634Arg)

Gene: COL7A1 (collagen type VII alpha 1 chain; minus strand). Cytogenetic location: 3p21.31.
Variant type: single nucleotide variant.
Coding change: c.1900G>C on transcript NM_000094.4 (MANE Select); coding-DNA position 1900, G replaced by C.
Protein change: p.Gly634Arg; replaces glycine 634 with arginine.
Molecular consequence: missense variant.
Genome position (GRCh38, 1-based): chr3:48,590,465, C>G on the plus strand (G>C on the coding strand, the complement: COL7A1 is on the minus strand). VCF-style: chr3-48590465-C-G. GRCh37 (hg19) VCF-style: chr3-48627898-C-G.
Other names: short protein forms G634R.
Identifiers: ClinVar variation 2070799 (VCV002070799.2), dbSNP rs2531294547, ClinGen allele CA352727776.

ClinVar aggregate classification (germline): Uncertain significance (1 of 4 stars; one submission).

Submission:

Labcorp Genetics (formerly Invitae), Labcorp
Classification: Uncertain significance. Last evaluated: 2025-03-22. Review status: criteria provided, single submitter. Criteria: Invitae Variant Classification Sherloc (09022015). Collection method: clinical testing. Allele origin: germline.
Comment: This sequence change replaces glycine, which is neutral and non-polar, with arginine, which is basic and polar, at codon 634 of the COL7A1 protein (p.Gly634Arg). This variant is not present in population databases (gnomAD no frequency). This variant has not been reported in the literature in individuals affected with COL7A1-related conditions. ClinVar contains an entry for this variant (Variation ID: 2070799). Invitae Evidence Modeling of protein sequence and biophysical properties (such as structural, functional, and spatial information, amino acid conservation, physicochemical variation, residue mobility, and thermodynamic stability) indicates that this missense variant is not expected to disrupt COL7A1 protein function with a negative predictive value of 95%. In summary, the available evidence is currently insufficient to determine the role of this variant in disease. Therefore, it has been classified as a Variant of Uncertain Significance.